The following is an entry in ClinVar:

ClinVar aggregate classification (germline): Uncertain significance. Review status: criteria provided, multiple submitters, no conflicts (2 of 4 stars). 2 submissions from 2 submitters: Uncertain significance (2). Last evaluated 2024-01-23.

Conditions:
Inborn genetic diseases. Identifiers: MedGen C0950123, MeSH D030342.
Charcot-Marie-Tooth disease type 4. Also called: Charcot-Marie-Tooth, Type 4; Charcot-Marie-Tooth disease, type IV. Identifiers: Orphanet 64749, MedGen C4082197, MONDO:0018995.

Allele frequency attached by ClinVar (database versions not stated): gnomAD 0.00002; gnomAD exomes 0.00002 and 0.00004; ExAC 0.00003; TOPMed 0.00006.
gnomAD v4.1: 15 of 1,614,096 alleles (0.00093%); highest among the groups gnomAD compares: Admixed American, 0.025%; no homozygotes.

Submissions (2):

Ambry Genetics
Classification: Uncertain significance for Inborn genetic diseases. Last evaluated: 2024-01-23. Review status: criteria provided, single submitter. Criteria: Ambry Variant Classification Scheme 2023. Collection method: clinical testing. Allele origin: germline.

Labcorp Genetics (formerly Invitae), Labcorp
Classification: Uncertain significance for Charcot-Marie-Tooth disease type 4. Last evaluated: 2022-07-19. Review status: criteria provided, single submitter. Criteria: Invitae Variant Classification Sherloc (09022015). Collection method: clinical testing. Allele origin: germline.
Comment: This sequence change replaces aspartic acid, which is acidic and polar, with glutamic acid, which is acidic and polar, at codon 375 of the FGD4 protein (p.Asp375Glu). This variant is present in population databases (rs778471949, gnomAD 0.03%). This variant has not been reported in the literature in individuals affected with FGD4-related conditions. ClinVar contains an entry for this variant (Variation ID: 1416600). Algorithms developed to predict the effect of missense changes on protein structure and function (SIFT, PolyPhen-2, Align-GVGD) all suggest that this variant is likely to be disruptive. In summary, the available evidence is currently insufficient to determine the role of this variant in disease. Therefore, it has been classified as a Variant of Uncertain Significance.

NM_001370298.3(FGD4):c.1536T>G (p.Asp512Glu)

Gene: FGD4 (FYVE, RhoGEF and PH domain containing 4; plus strand). Cytogenetic location: 12p11.21.
Variant type: single nucleotide variant.
Coding change: c.1536T>G on transcript NM_001370298.3 (MANE Select); coding-DNA position 1536, T replaced by G.
Protein change: p.Asp512Glu; replaces aspartic acid 512 with glutamic acid.
Molecular consequence: missense variant.
Genome position (GRCh38, 1-based): chr12:32,608,088, T>G. VCF-style: chr12-32608088-T-G. GRCh37 (hg19) VCF-style: chr12-32761022-T-G.
Other names: c.1380T>G, p.Asp460Glu (NM_001304481.2); c.381T>G, p.Asp127Glu (NM_001304483.2); c.93T>G, p.Asp31Glu (NM_001304484.2); c.846T>G, p.Asp282Glu (NM_001330373.2, NM_001330374.2, NM_001384130.1); c.573T>G, p.Asp191Glu (NM_001370297.1); c.1536T>G, p.Asp512Glu (NM_001384126.1); c.1125T>G, p.Asp375Glu (NM_001384127.1, NM_001384128.1, NM_001385118.1 and 1 more transcripts); short protein forms D31E, D512E, D460E, D127E, D282E, D191E, D375E.
Identifiers: ClinVar variation 1416600 (VCV001416600.5), dbSNP rs778471949, ClinGen allele CA6506798.